The following is an entry in ClinVar:

NM_017849.4(TMEM127):c.364G>A (p.Ala122Thr)

Gene: TMEM127 (transmembrane protein 127; minus strand). Cytogenetic location: 2q11.2.
Variant type: single nucleotide variant.
Coding change: c.364G>A on transcript NM_017849.4 (MANE Select); coding-DNA position 364, G replaced by A.
Protein change: p.Ala122Thr; replaces alanine 122 with threonine.
Molecular consequence: missense variant.
Genome position (GRCh38, 1-based): chr2:96,254,878, C>T on the plus strand (G>A on the coding strand, the complement: TMEM127 is on the minus strand). VCF-style: chr2-96254878-C-T. GRCh37 (hg19) VCF-style: chr2-96920616-C-T.
Other names: c.364G>A, p.Ala122Thr (NM_001193304.3); short protein forms A122T.
Identifiers: ClinVar variation 532521 (VCV000532521.13), dbSNP rs1553436990, ClinGen allele CA347653336.

ClinVar aggregate classification (germline): Uncertain significance. Review status: criteria provided, multiple submitters, no conflicts (2 of 4 stars). 2 submissions from 2 submitters: Uncertain significance (2). Last evaluated 2025-03-29.

Conditions:
Hereditary cancer-predisposing syndrome. Also called: Neoplastic Syndromes, Hereditary; Hereditary Cancer Syndrome; Tumor predisposition; Hereditary neoplastic syndrome. Identifiers: Orphanet 140162, MedGen C0027672, MeSH D009386, MONDO:0015356.
Hereditary pheochromocytoma and paraganglioma. Also called: Hereditary Paraganglioma-Pheochromocytoma Syndromes; Hereditary paragangliomas and pheochromocytomas; Hereditary pheochromocytoma-paraganglioma. Identifiers: Orphanet 29072, MedGen C4274332, MONDO:0017366.

Allele frequency attached by ClinVar (database versions not stated): gnomAD exomes below 0.00001.
gnomAD v4.1: 1 of 1,614,128 alleles (0.000062%); highest among the groups gnomAD compares: African/African-American, 0.0013%; no homozygotes.

Submissions (2):

Ambry Genetics
Classification: Uncertain significance for Hereditary cancer-predisposing syndrome. Last evaluated: 2025-03-29. Review status: criteria provided, single submitter. Criteria: Ambry Variant Classification Scheme 2023. Collection method: clinical testing. Allele origin: germline.
Comment: The p.A122T variant (also known as c.364G>A), located in coding exon 2 of the TMEM127 gene, results from a G to A substitution at nucleotide position 364. The alanine at codon 122 is replaced by threonine, an amino acid with similar properties. This amino acid position is conserved. In addition, the in silico prediction for this alteration is inconclusive. Since supporting evidence is limited at this time, the clinical significance of this alteration remains unclear.

Labcorp Genetics (formerly Invitae), Labcorp
Classification: Uncertain significance for Hereditary pheochromocytoma and paraganglioma. Last evaluated: 2022-04-29. Review status: criteria provided, single submitter. Criteria: Invitae Variant Classification Sherloc (09022015). Collection method: clinical testing. Allele origin: germline.
Comment: This sequence change replaces alanine, which is neutral and non-polar, with threonine, which is neutral and polar, at codon 122 of the TMEM127 protein (p.Ala122Thr). This variant is not present in population databases (gnomAD no frequency). This variant has not been reported in the literature in individuals affected with TMEM127-related conditions. ClinVar contains an entry for this variant (Variation ID: 532521). Algorithms developed to predict the effect of missense changes on protein structure and function are either unavailable or do not agree on the potential impact of this missense change (SIFT: "Deleterious"; PolyPhen-2: "Benign"; Align-GVGD: "Class C55"). In summary, the available evidence is currently insufficient to determine the role of this variant in disease. Therefore, it has been classified as a Variant of Uncertain Significance.